The following is an entry in ClinVar:

NC_000011.9:g.(?_101374735)_(103349981_?)dup

Genes: ANGPTL5 (angiopoietin like 5; minus strand), BIRC2 (baculoviral IAP repeat containing 2; plus strand), BIRC3 (baculoviral IAP repeat containing 3; plus strand), CEP126 (centrosomal protein 126; plus strand), CFAP300 (cilia and flagella associated protein 300; plus strand) and 14 more. Cytogenetic location: 11q22.1-22.3.
Variant type: Duplication.
Identifiers: ClinVar variation 2427084 (VCV002427084.3).

ClinVar aggregate classification (germline): Uncertain significance (1 of 4 stars; one submission).

Submission:

Labcorp Genetics (formerly Invitae), Labcorp
Classification: Uncertain significance. Last evaluated: 2022-08-21. Review status: criteria provided, single submitter. Criteria: Invitae Variant Classification Sherloc (09022015). Collection method: clinical testing. Allele origin: germline.
Comment: A copy number gain of the genomic region encompassing the full coding sequence of the C11orf70 gene has been identified. The boundaries of this event are unknown as they extend beyond the assayed region for this gene and therefore may encompass additional genes. As the precise location of this event is unknown, it may be in tandem or it may be located elsewhere in the genome. This variant has not been reported in the literature in individuals affected with C11orf70-related conditions. In summary, the available evidence is currently insufficient to determine the role of this variant in disease. Therefore, it has been classified as a Variant of Uncertain Significance.